The following is an entry in ClinVar:

NM_007194.4(CHEK2):c.990del (p.Met331fs)

Gene: CHEK2 (checkpoint kinase 2; minus strand). Cytogenetic location: 22q12.1.
Variant type: Deletion.
Coding change: c.990del on transcript NM_007194.4 (MANE Select); coding-DNA position 990, one base deleted (G; older notation c.990delG).
Protein change: p.Met331fs; shifts the reading frame from methionine 331.
Molecular consequence: frameshift variant.
Genome position (GRCh38, 1-based): chr22:28,699,856, C deleted on the plus strand (G on the coding strand, the reverse complement: CHEK2 is on the minus strand). VCF-style (leftmost placement, unchanged base first): chr22-28699855-TC-T. GRCh37 (hg19) VCF-style: chr22-29095843-TC-T.
Other names: c.1119delG, p.Met374Cysfs (NM_001005735.3); c.327delG, p.Met110Cysfs (NM_001257387.3); c.789delG, p.Met264Cysfs (NM_001349956.3); c.990delG, p.Met331Cysfs (NM_145862.3); short protein forms M264fs, M110fs, M331fs, M374fs.
Identifiers: ClinVar variation 665372 (VCV000665372.7), dbSNP rs1601738338, ClinGen allele CA915952854.

ClinVar aggregate classification (germline): Pathogenic (1 of 4 stars; one submission).

Conditions:
Familial cancer of breast. Also called: BREAST CANCER, FAMILIAL; hereditary breast carcinoma; Hereditary breast cancer. Identifiers: Orphanet 227535, MedGen C0346153, MONDO:0016419, OMIM 114480. Disease mechanism: loss of function.

Submission:

Labcorp Genetics (formerly Invitae), Labcorp
Classification: Pathogenic for Familial cancer of breast. Last evaluated: 2018-12-14. Review status: criteria provided, single submitter. Criteria: Invitae Variant Classification Sherloc (09022015). Collection method: clinical testing. Allele origin: germline.
Comment: For these reasons, this variant has been classified as Pathogenic. Loss-of-function variants in CHEK2 are known to be pathogenic (PMID: 21876083, 24713400). This variant has not been reported in the literature in individuals with CHEK2-related conditions. This variant is not present in population databases (ExAC no frequency). This sequence change creates a premature translational stop signal (p.Met331Cysfs*18) in the CHEK2 gene. It is expected to result in an absent or disrupted protein product.

Literature cited by the submitters: PubMed 21876083; PubMed 24713400.